The following is an entry in ClinVar:

ClinVar aggregate classification (germline): Likely benign. Review status: criteria provided, multiple submitters, no conflicts (2 of 4 stars). 3 submissions from 3 submitters: Likely benign (2). 1 of the submissions does not count toward it. Last evaluated 2026-06-01.

Conditions:
SMARCC1-related disorder. Also called: SMARCC1-related condition.

Allele frequency attached by ClinVar (database versions not stated): ExAC 0.00005; TOPMed 0.00099; 1000 Genomes Project 0.00120; 1000 Genomes Project 30x 0.00141.
gnomAD v4.1: 265 of 1,583,374 alleles (0.017%); highest among the groups gnomAD compares: Admixed American, 0.47%; 3 homozygotes.

Submissions (3):

CeGaT Center for Human Genetics Tuebingen
Classification: Likely benign. Last evaluated: 2026-06-01. Review status: criteria provided, single submitter. Criteria: CeGaT Center For Human Genetics Tuebingen Variant Classification Criteria Version 2. Collection method: clinical testing. Allele origin: germline. Affected: yes. Observed: 2 variant alleles.
Comment: SMARCC1: BP4, BP7

Breakthrough Genomics
Classification: Likely benign. Review status: criteria provided, single submitter. Criteria: ACMG Guidelines, 2015. Collection method: not provided. Allele origin: germline. Inheritance: Autosomal dominant inheritance. Affected: yes.

PreventionGenetics, part of Exact Sciences
Classification: Likely benign for SMARCC1-related condition. Last evaluated: 2019-05-21. Review status: no assertion criteria provided. Collection method: clinical testing. Allele origin: germline. Not counted in ClinVar's aggregate classification.
Comment: This variant is classified as likely benign based on ACMG/AMP sequence variant interpretation guidelines (Richards et al. 2015 PMID: 25741868, with internal and published modifications).

NM_003074.4(SMARCC1):c.945T>C (p.Asp315=)

Gene: SMARCC1 (SWI/SNF related BAF chromatin remodeling complex subunit C1; minus strand). Cytogenetic location: 3p21.31.
Variant type: single nucleotide variant.
Coding change: c.945T>C on transcript NM_003074.4 (MANE Select); coding-DNA position 945, T replaced by C.
Protein change: p.Asp315=; no amino-acid change (aspartic acid 315 retained).
Molecular consequence: synonymous variant.
Genome position (GRCh38, 1-based): chr3:47,706,504, A>G on the plus strand (T>C on the coding strand, the complement: SMARCC1 is on the minus strand). VCF-style: chr3-47706504-A-G. GRCh37 (hg19) VCF-style: chr3-47747994-A-G.
Identifiers: ClinVar variation 3039030 (VCV003039030.8), dbSNP rs189534174, ClinGen allele CA2369275.